The following is an entry in ClinVar:

NM_017777.4(MKS1):c.1024+1G>T

Gene: MKS1 (MKS transition zone complex subunit 1; minus strand). Cytogenetic location: 17q22.
Variant type: single nucleotide variant.
Coding change: c.1024+1G>T on transcript NM_017777.4 (MANE Select); the canonical splice donor site of the intron after coding-DNA position 1024, G replaced by T.
Molecular consequence: splice donor variant.
Genome position (GRCh38, 1-based): chr17:58,210,658, C>A on the plus strand (G>T on the coding strand, the complement: MKS1 is on the minus strand). VCF-style: chr17-58210658-C-A. GRCh37 (hg19) VCF-style: chr17-56288019-C-A.
Other names: c.415+1G>T (NM_001321268.2); c.1024+1G>T (NM_001330397.2, NM_001321269.2, NM_001411113.1 and 1 more transcripts).
Identifiers: ClinVar variation 1943755 (VCV001943755.6), dbSNP rs199874059, ClinGen allele CA400325934.

ClinVar aggregate classification (germline): Pathogenic. Review status: criteria provided, multiple submitters, no conflicts (2 of 4 stars). 3 submissions from 3 submitters: Pathogenic (3). Last evaluated 2025-09-15.

Conditions:
MKS1-related disorder. Also called: MKS1-related disorders; MKS1-related condition. Identifiers: MedGen CN239382.
Meckel-Gruber syndrome. Also called: DYSENCEPHALIA SPLANCHNOCYSTICA; GRUBER SYNDROME; Dysencephalia splachnocystica. Identifiers: Orphanet 564, MedGen C0265215, MONDO:0018921.
Joubert syndrome. Also called: Familial aplasia of the vermis; JOUBERT-BOLTSHAUSER SYNDROME. Identifiers: Orphanet 475, MedGen C5979921, MONDO:0018772.
Meckel syndrome, type 1 (MKS1). Also called: MECKEL-GRUBER SYNDROME, TYPE 1. Identifiers: Orphanet 564, MedGen C3714506, MONDO:0009571, OMIM 249000.

gnomAD v4.1: 5 of 1,612,800 alleles (0.00031%); highest among the groups gnomAD compares: Non-Finnish European, 0.00042%; no homozygotes.

Submissions (3):

Natera, Inc.
Classification: Pathogenic for Meckel syndrome type 1. Last evaluated: 2025-09-15. Review status: criteria provided, single submitter. Criteria: Natera Variant Classification Schema (03/2026). Collection method: clinical testing. Allele origin: germline.
Comment: The c.1024+1G>T variant in MKS1 is a canonical splice donor site variant predicted to affect pre-mRNA splicing, which may result in an abnormal transcript and altered protein product. This variant may result in a truncated or dysfunctional protein product. This variant is rare in the general population with a frequency below the threshold expected for the associated phenotype(s). This variant has been observed in one or more individuals affected with the associated recessive disease, as either homozygous or compound heterozygous with a second variant (PMID: 36658419). Functional studies show that this variant may disrupt protein function (PMID: 36658419). Another variant at this same site results in an alteration predicted to cause a similar molecular effect has been observed in individual(s) with the associated phenotype. Given the available evidence, this variant is classified as Pathogenic.

PreventionGenetics, part of Exact Sciences
Classification: Pathogenic for MKS1-related condition. Last evaluated: 2025-04-09. Review status: criteria provided, single submitter. Criteria: ACMG Guidelines, 2015. Collection method: clinical testing. Allele origin: germline.
Comment: The MKS1 c.1024+1G>T variant is predicted to disrupt the GT donor site and interfere with normal splicing. This variant has been reported in the compound heterozygous state with another splice impacting variant in a family undergoing genomic autopsy for pregnancy loss and perinatal death (see PED ID: 005 in Byrne et al. 2023. PubMed ID: 36658419). An alternate nucleotide change impacting the same splice donor site (c.1024+1G>A) has also been reported in the compound heterozygous state in an individual with Meckel–Gruber syndrome (described as IVS11+1G>A in Consugar et al. 2007. PubMed ID: 17377820). The c.1024+1G>T variant has not been reported in a large population database (gnomAD), indicating this variant is rare. Variants that disrupt the consensus splice donor site in MKS1 are expected to be pathogenic. This variant is interpreted as pathogenic.

Labcorp Genetics (formerly Invitae), Labcorp
Classification: Pathogenic for Joubert syndrome; Meckel-Gruber syndrome. Last evaluated: 2022-06-18. Review status: criteria provided, single submitter. Criteria: Invitae Variant Classification Sherloc (09022015). Collection method: clinical testing. Allele origin: germline.
Comment: For these reasons, this variant has been classified as Pathogenic. Algorithms developed to predict the effect of sequence changes on RNA splicing suggest that this variant may disrupt the consensus splice site. Disruption of this splice site has been observed in individual(s) with Meckel-Gruber syndrome (PMID: 17377820). In at least one individual the data is consistent with being in trans (on the opposite chromosome) from a pathogenic variant. This variant is not present in population databases (gnomAD no frequency). This sequence change affects a donor splice site in intron 11 of the MKS1 gene. It is expected to disrupt RNA splicing. Variants that disrupt the donor or acceptor splice site typically lead to a loss of protein function (PMID: 16199547), and loss-of-function variants in MKS1 are known to be pathogenic (PMID: 19466712, 24886560, 26490104).

Literature cited by the submitters: PubMed 36658419 (cited by Natera, Inc.); PubMed 17377820 (cited by Labcorp Genetics (formerly Invitae), Labcorp); PubMed 16199547 (cited by Labcorp Genetics (formerly Invitae), Labcorp); PubMed 19466712 (cited by Labcorp Genetics (formerly Invitae), Labcorp); PubMed 24886560 (cited by Labcorp Genetics (formerly Invitae), Labcorp); PubMed 26490104 (cited by Labcorp Genetics (formerly Invitae), Labcorp).